The following is an entry in ClinVar:

ClinVar aggregate classification (germline): Conflicting classifications of pathogenicity. Review status: criteria provided, conflicting classifications (1 of 4 stars). 9 submissions from 9 submitters: Uncertain significance (8); Likely benign (1). Last evaluated 2025-12-23.

Conditions:
DSP-related disorder. Also called: DSP-related condition; DSP-related disorders.
Cardiovascular phenotype. Identifiers: MedGen CN230736.
Cardiomyopathy (CMYO). Also called: Cardiomyopathies. Identifiers: Orphanet 167848, MedGen C0878544, MONDO:0004994, HP:0001638. Inheritance: Various modes of inheritance.
Arrhythmogenic right ventricular dysplasia 8 (ARVD8). Also called: Arrhythmogenic Right Ventricular Dysplasia/Cardiomyopathy 8; ARRHYTHMOGENIC RIGHT VENTRICULAR DYSPLASIA, FAMILIAL, 8; ARRHYTHMOGENIC RIGHT VENTRICULAR CARDIOMYOPATHY 8. Identifiers: MedGen C1843896, MONDO:0011831, OMIM 607450.
Arrhythmogenic cardiomyopathy with wooly hair and keratoderma. Also called: Carvajal syndrome; Dilated cardiomyopathy with woolly hair and keratoderma; PALMOPLANTAR KERATODERMA WITH LEFT VENTRICULAR CARDIOMYOPATHY AND WOOLLY HAIR; Arrhythmogenic cardiomyopathy with woolly hair and keratoderma. Identifiers: Orphanet 65282, MedGen C1854063, MONDO:0011581, OMIM 605676.

Allele frequency attached by ClinVar (database versions not stated): ExAC 0.00005; gnomAD 0.00005 and 0.00007; ESP Exome Variant Server 0.00008; TOPMed 0.00010.
gnomAD v4.1: 82 of 1,613,908 alleles (0.0051%); highest among the groups gnomAD compares: Middle Eastern, 0.017%; no homozygotes.

Submissions (9):

Labcorp Genetics (formerly Invitae), Labcorp
Classification: Likely benign for Arrhythmogenic cardiomyopathy with wooly hair and keratoderma; Arrhythmogenic right ventricular dysplasia 8. Last evaluated: 2025-12-23. Review status: criteria provided, single submitter. Criteria: Invitae Variant Classification Sherloc (09022015). Collection method: clinical testing. Allele origin: germline.

PreventionGenetics, part of Exact Sciences
Classification: Uncertain significance for DSP-related condition. Last evaluated: 2025-11-25. Review status: criteria provided, single submitter. Criteria: ACMG Guidelines, 2015. Collection method: clinical testing. Allele origin: germline.
Comment: The DSP c.916G>A variant is predicted to result in the amino acid substitution p.Ala306Thr. This variant has been reported in cohort studies of juvenile cases of sudden cardiac death (Campuzano et al. 2014. PubMed ID: 25447171; Supplemental Table 1, Martinez-Barrios et al. 2023. PubMed ID: 36693943) and in a cohort study of individuals with primary electrical disease (Proost et al. 2017. PubMed ID: 28341588). This variant is reported in 0.015% of alleles in individuals of East Asian descent in gnomAD. At this time, the clinical significance of this variant is uncertain due to the absence of conclusive functional and genetic evidence.

Color Diagnostics, LLC DBA Color Health
Classification: Uncertain significance for Cardiomyopathy. Last evaluated: 2025-11-04. Review status: criteria provided, single submitter. Criteria: ACMG Guidelines, 2015. Collection method: clinical testing. Allele origin: germline.
Comment: This missense variant replaces alanine with threonine at codon 306 of the DSP protein. Computational prediction tools indicate that this variant has a neutral impact on protein structure and function. To our knowledge, functional studies have not been reported for this variant. This variant has been reported in an individual affected with primary electrical disease (PMID: 28341588) and in an individual affected with sudden cardiac death (PMID: 25447171). This variant has been identified in 82/1613908 chromosomes in the general population by the Genome Aggregation Database (gnomAD). The available evidence is insufficient to determine the role of this variant in disease conclusively. Therefore, this variant is classified as a Variant of Uncertain Significance.

Women's Health and Genetics/Laboratory Corporation of America, LabCorp
Classification: Uncertain significance. Last evaluated: 2025-03-07. Review status: criteria provided, single submitter. Criteria: LabCorp Variant Classification Summary - May 2015. Collection method: clinical testing. Allele origin: germline.
Comment: Variant summary: DSP c.916G>A (p.Ala306Thr) results in a non-conservative amino acid change in the encoded protein sequence. Three of five in-silico tools predict a benign effect of the variant on protein function. The variant allele was found at a frequency of 5.2e-05 in 251214 control chromosomes. This frequency is not significantly higher than estimated for a pathogenic variant in DSP causing Arrhythmogenic Right Ventricular Dysplasia/Cardiomyopathy (5.2e-05 vs 0.0002), allowing no conclusion about variant significance. c.916G>A has been reported in the literature in an individual affected with Sudden Cardiac death (Campuzano_2014). These report(s) do not provide unequivocal conclusions about association of the variant with Arrhythmogenic Right Ventricular Dysplasia/Cardiomyopathy. To our knowledge, no experimental evidence demonstrating an impact on protein function has been reported. The following publication have been ascertained in the context of this evaluation (PMID: 25447171). ClinVar contains an entry for this variant (Variation ID: 44981). Based on the evidence outlined above, the variant was classified as uncertain significance.

All of Us Research Program, National Institutes of Health
Classification: Uncertain significance for Arrhythmogenic cardiomyopathy with wooly hair and keratoderma. Last evaluated: 2024-08-13. Review status: criteria provided, single submitter. Criteria: ACMG Guidelines, 2015. Collection method: clinical testing. Allele origin: germline. Inheritance: Autosomal dominant inheritance. Observed: 19 variant alleles, 19 heterozygotes.
Comment: This missense variant replaces alanine with threonine at codon 306 of the DSP protein. Computational prediction tools indicate that this variant has a neutral impact on protein structure and function. To our knowledge, functional studies have not been reported for this variant. This variant has been reported in one individual affected with primary electrical disease (PMID: 28341588) and in one individual affected with sudden cardiac death (PMID: 25447171). This variant has been identified in 16/282574 chromosomes in the general population by the Genome Aggregation Database (gnomAD). The available evidence is insufficient to determine the role of this variant in disease conclusively. Therefore, this variant is classified as a Variant of Uncertain Significance.

This study involves interpretation of variants in research participants for the purpose of population health screening. Participant phenotype was not available at the time of variant classification. Additional details can be found in publication PMID: 35346344, PMCID: PMC8962531

GeneDx
Classification: Uncertain significance. Last evaluated: 2023-04-17. Review status: criteria provided, single submitter. Criteria: GeneDx Variant Classification Process June 2021. Collection method: clinical testing. Allele origin: germline. Affected: yes.
Comment: Identified in an infant with sudden cardiac death in published literature (Campuzano et al., 2014); this patient harbored additional cardiogenetic variants; In silico analysis supports that this missense variant does not alter protein structure/function; This variant is associated with the following publications: (PMID: 25447171)

New York Genome Center
Classification: Uncertain significance for Arrhythmogenic right ventricular dysplasia 8. Last evaluated: 2022-11-11. Review status: criteria provided, single submitter. Criteria: NYGC Assertion Criteria 2020. Collection method: clinical testing. Allele origin: germline. Observed: 1 heterozygote.
Comment: Moreover, this variant has been classified as likely benign based on the non-segregation with long QT syndrome phenotype in a large family [28341588]. This variant has been deposited in ClinVar [ClinVar ID: 44981] as a Variant ofUncertain Significance. The c.916G>A variant is observed in 43 alleles (0.0072% minor allele frequency with 0 homozygotes) in population databases (gnomAD v2.1.1and v3.1.2, TOPMed Freeze 8). The c.916G>A variant is located in exon 7 of this 24-exon gene and is predicted to replace a moderately conserved alanine amino acid with threonine at position 306 in the JUP/PKP binding domain of the encoded protein [PMID: 26585738]. In silico predictions for p.(Ala306Thr) are inconclusive of thevariant's effect [(CADD v1.6 = 22.8, REVEL = 0.254)]; however, there are no functional studies to support or refute these predictions. A different missense variant p.(Ala306Gly) affecting the same codon has been reported in ClinVar [ClinVar ID: 1432174] as a Variant of Uncertain Significance. Based on available evidence this c.916G>A p.(Ala306Thr) variant identified in DSP is classified as a Variant of Uncertain Significance.

Ambry Genetics
Classification: Uncertain significance for Cardiovascular phenotype. Last evaluated: 2020-07-30. Review status: criteria provided, single submitter. Criteria: Ambry Variant Classification Scheme 2023. Collection method: clinical testing. Allele origin: germline.

Laboratory for Molecular Medicine, Mass General Brigham Personalized Medicine
Classification: Uncertain significance. Last evaluated: 2018-04-10. Review status: criteria provided, single submitter. Criteria: LMM Criteria. Collection method: clinical testing. Allele origin: germline. Observed: 2 variant alleles.
Comment: proposed classification - variant undergoing re-assessment, contact laboratory

Literature cited by the submitters: PubMed 25447171 (cited by 3 submitters); PubMed 28341588 (cited by Color Diagnostics, LLC DBA Color Health and All of Us Research Program, National Institutes of Health).

NM_004415.4(DSP):c.916G>A (p.Ala306Thr)

Gene: DSP (desmoplakin; plus strand). Cytogenetic location: 6p24.3.
Variant type: single nucleotide variant.
Coding change: c.916G>A on transcript NM_004415.4 (MANE Select); coding-DNA position 916, G replaced by A.
Protein change: p.Ala306Thr; replaces alanine 306 with threonine.
Molecular consequence: missense variant.
Genome position (GRCh38, 1-based): chr6:7,565,497, G>A. VCF-style: chr6-7565497-G-A. GRCh37 (hg19) VCF-style: chr6-7565730-G-A.
Other names: p.A306T:GCT>ACT; c.916G>A, p.Ala306Thr (NM_001008844.3, NM_001319034.2); short protein forms A306T.
Identifiers: ClinVar variation 44981 (VCV000044981.26), dbSNP rs368193211, ClinGen allele CA007850.